The following is an entry in ClinVar:

ClinVar aggregate classification (germline): Uncertain significance (1 of 4 stars; one submission).

Conditions:
Early-infantile DEE. Also called: Early infantile epileptic encephalopathy; Ohtahara syndrome; Early infantile epileptic encephalopathy with suppression bursts. Identifiers: Orphanet 1934, MedGen C0393706, MONDO:0800491.

Allele frequency attached by ClinVar (database versions not stated): gnomAD exomes below 0.00001; TOPMed below 0.00001.
gnomAD v4.1: 1 of 1,613,418 alleles (0.000062%); highest among the groups gnomAD compares: Non-Finnish European, 0.000085%; no homozygotes.

Submission:

Labcorp Genetics (formerly Invitae), Labcorp
Classification: Uncertain significance for Early-infantile DEE. Last evaluated: 2025-04-10. Review status: criteria provided, single submitter. Criteria: Invitae Variant Classification Sherloc (09022015). Collection method: clinical testing. Allele origin: germline.
Comment: This sequence change replaces alanine, which is neutral and non-polar, with valine, which is neutral and non-polar, at codon 798 of the SCN8A protein (p.Ala798Val). This variant is not present in population databases (gnomAD no frequency). This variant has not been reported in the literature in individuals affected with SCN8A-related conditions. ClinVar contains an entry for this variant (Variation ID: 2193734). Invitae Evidence Modeling of protein sequence and biophysical properties (such as structural, functional, and spatial information, amino acid conservation, physicochemical variation, residue mobility, and thermodynamic stability) has been performed for this missense variant. However, the output from this modeling did not meet the statistical confidence thresholds required to predict the impact of this variant on SCN8A protein function. In summary, the available evidence is currently insufficient to determine the role of this variant in disease. Therefore, it has been classified as a Variant of Uncertain Significance.

NM_001330260.2(SCN8A):c.2393C>T (p.Ala798Val)

Gene: SCN8A (sodium voltage-gated channel alpha subunit 8; plus strand). Cytogenetic location: 12q13.13.
Variant type: single nucleotide variant.
Coding change: c.2393C>T on transcript NM_001330260.2 (MANE Select); coding-DNA position 2393, C replaced by T.
Protein change: p.Ala798Val; replaces alanine 798 with valine.
Molecular consequence: missense variant.
Genome position (GRCh38, 1-based): chr12:51,762,525, C>T. VCF-style: chr12-51762525-C-T. GRCh37 (hg19) VCF-style: chr12-52156309-C-T.
Other names: c.2393C>T, p.Ala798Val (NM_001177984.3, NM_001369788.1, NM_014191.4); short protein forms A798V.
Identifiers: ClinVar variation 2193734 (VCV002193734.4), dbSNP rs1650809067, ClinGen allele CA384883106.